The following is an entry in ClinVar:

ClinVar aggregate classification (germline): Likely benign (0 of 4 stars; one submission).

Conditions:
RELN-related disorder. Also called: RELN-related condition.

Allele frequency attached by ClinVar (database versions not stated): gnomAD exomes 0.00001.
gnomAD v4.1: 10 of 1,612,944 alleles (0.00062%); highest among the groups gnomAD compares: Middle Eastern, 0.13%; no homozygotes.

Submission:

PreventionGenetics, part of Exact Sciences
Classification: Likely benign for RELN-related condition. Last evaluated: 2019-07-31. Review status: no assertion criteria provided. Collection method: clinical testing. Allele origin: germline.
Comment: This variant is classified as likely benign based on ACMG/AMP sequence variant interpretation guidelines (Richards et al. 2015 PMID: 25741868, with internal and published modifications).

NM_005045.4(RELN):c.8668-7T>C

Genes: RELN (reelin; minus strand), SLC26A5-AS1 (SLC26A5 antisense RNA 1; plus strand). Cytogenetic location: 7q22.1.
Variant type: single nucleotide variant.
Coding change: c.8668-7T>C on transcript NM_005045.4 (MANE Select); 7 bases into the intron before coding-DNA position 8668, T replaced by C.
Molecular consequence: intron variant.
Genome position (GRCh38, 1-based): chr7:103,498,259, A>G on the plus strand (T>C on the coding strand, the complement: RELN is on the minus strand). VCF-style: chr7-103498259-A-G. GRCh37 (hg19) VCF-style: chr7-103138706-A-G.
Other names: c.8668-7T>C (NM_173054.3).
Identifiers: ClinVar variation 3035163 (VCV003035163.2), dbSNP rs868719878, ClinGen allele CA163910286.